The following is an entry in ClinVar:

ClinVar aggregate classification (germline): Uncertain significance (0 of 4 stars; one submission).

Conditions:
VPS13B-related disorder. Also called: VPS13B-related condition.

gnomAD v4.1: 3 of 1,614,054 alleles (0.00019%); highest among the groups gnomAD compares: African/African-American, 0.0013%; no homozygotes.

Submission:

PreventionGenetics, part of Exact Sciences
Classification: Uncertain significance for VPS13B-related condition. Last evaluated: 2024-07-10. Review status: no assertion criteria provided. Collection method: clinical testing. Allele origin: germline.
Comment: The VPS13B c.5507C>T variant is predicted to result in the amino acid substitution p.Ser1836Leu. To our knowledge, this variant has not been reported in the literature or in a large population database, indicating this variant is rare. At this time, the clinical significance of this variant is uncertain due to the absence of conclusive functional and genetic evidence.

NM_152564.5(VPS13B):c.5507C>T (p.Ser1836Leu)

Gene: VPS13B (vacuolar protein sorting 13 homolog B; plus strand). Cytogenetic location: 8q22.2.
Variant type: single nucleotide variant.
Coding change: c.5507C>T on transcript NM_152564.5 (MANE Select); coding-DNA position 5507, C replaced by T.
Protein change: p.Ser1836Leu; replaces serine 1836 with leucine.
Molecular consequence: missense variant.
Genome position (GRCh38, 1-based): chr8:99,642,097, C>T. VCF-style: chr8-99642097-C-T. GRCh37 (hg19) VCF-style: chr8-100654325-C-T.
Other names: c.5582C>T, p.Ser1861Leu (NM_017890.5); short protein forms S1836L, S1861L.
Identifiers: ClinVar variation 3357918 (VCV003357918.1).